The following is an entry in ClinVar:

NM_006736.6(DNAJB2):c.265G>A (p.Gly89Arg)

Gene: DNAJB2 (DnaJ heat shock protein family (Hsp40) member B2; plus strand). Cytogenetic location: 2q35.
Variant type: single nucleotide variant.
Coding change: c.265G>A on transcript NM_006736.6 (MANE Select); coding-DNA position 265, G replaced by A.
Protein change: p.Gly89Arg; replaces glycine 89 with arginine.
Molecular consequence: missense variant.
Genome position (GRCh38, 1-based): chr2:219,281,974, G>A. VCF-style: chr2-219281974-G-A. GRCh37 (hg19) VCF-style: chr2-220146696-G-A.
Other names: c.265G>A, p.Gly89Arg (NM_001039550.2); short protein forms G89R.
Identifiers: ClinVar variation 1397472 (VCV001397472.6), dbSNP rs1951909003, ClinGen allele CA350647966.

ClinVar aggregate classification (germline): Uncertain significance (1 of 4 stars; one submission).

Conditions:
Neuronopathy, distal hereditary motor, autosomal recessive 5. Also called: Spinal muscular atrophy, distal, autosomal recessive, 5; NEUROPATHY, DISTAL HEREDITARY MOTOR, AUTOSOMAL RECESSIVE 5; Young adult-onset distal hereditary motor neuropathy. Identifiers: Orphanet 314485, Orphanet 443950, MedGen C4749918, MONDO:0013947, OMIM 614881.

Allele frequency attached by ClinVar (database versions not stated): gnomAD 0.00001.
gnomAD v4.1: 1 of 1,614,104 alleles (0.000062%); highest among the groups gnomAD compares: African/African-American, 0.0013%; no homozygotes.

Submission:

Labcorp Genetics (formerly Invitae), Labcorp
Classification: Uncertain significance for Neuronopathy, distal hereditary motor, autosomal recessive 5. Last evaluated: 2021-09-26. Review status: criteria provided, single submitter. Criteria: Invitae Variant Classification Sherloc (09022015). Collection method: clinical testing. Allele origin: germline.
Comment: In summary, the available evidence is currently insufficient to determine the role of this variant in disease. Therefore, it has been classified as a Variant of Uncertain Significance. Algorithms developed to predict the effect of missense changes on protein structure and function (SIFT, PolyPhen-2, Align-GVGD) all suggest that this variant is likely to be tolerated. This variant has not been reported in the literature in individuals affected with DNAJB2-related conditions. This variant is not present in population databases (ExAC no frequency). This sequence change replaces glycine with arginine at codon 89 of the DNAJB2 protein (p.Gly89Arg). The glycine residue is weakly conserved and there is a moderate physicochemical difference between glycine and arginine.